The following is an entry in ClinVar:

NM_022489.4(INF2):c.137C>G (p.Ser46Cys)

Gene: INF2 (inverted formin 2; plus strand). Cytogenetic location: 14q32.33.
Variant type: single nucleotide variant.
Coding change: c.137C>G on transcript NM_022489.4 (MANE Select); coding-DNA position 137, C replaced by G.
Protein change: p.Ser46Cys; replaces serine 46 with cysteine.
Molecular consequence: missense variant.
Genome position (GRCh38, 1-based): chr14:104,701,502, C>G. VCF-style: chr14-104701502-C-G. GRCh37 (hg19) VCF-style: chr14-105167839-C-G.
Other names: c.137C>G, p.Ser46Cys (NM_001031714.4, NM_001426862.1, NM_001426863.1 and 6 more transcripts); short protein forms S46C.
Identifiers: ClinVar variation 3236024 (VCV003236024.1), dbSNP rs1889493279, ClinGen allele CA391225038.

ClinVar aggregate classification (germline): Likely pathogenic (1 of 4 stars; one submission).

Conditions:
Focal segmental glomerulosclerosis 5 (FSGS5). Identifiers: Orphanet 656, MedGen C2750475, MONDO:0013191, OMIM 613237.

Allele frequency attached by ClinVar (database versions not stated): gnomAD exomes below 0.00001.
gnomAD v4.1: 1 of 1,605,496 alleles (0.000062%); highest among the groups gnomAD compares: Non-Finnish European, 0.000085%; no homozygotes.

Submission:

MVZ Medizinische Genetik Mainz
Classification: Likely pathogenic for Focal segmental glomerulosclerosis 5. Last evaluated: 2023-10-18. Review status: criteria provided, single submitter. Criteria: UK Practice Guidelines For Variant Classification V4 01 2020. Collection method: clinical testing. Allele origin: germline. Inheritance: Autosomal dominant inheritance. Affected: yes. Observed: 1 variant allele.
Comment: ACMG Criteria: PM1,PM2_SUP,PP3